The following is an entry in ClinVar:

NM_001844.5(COL2A1):c.679C>G (p.Pro227Ala)

Gene: COL2A1 (collagen type II alpha 1 chain; minus strand). Cytogenetic location: 12q13.11.
Variant type: single nucleotide variant.
Coding change: c.679C>G on transcript NM_001844.5 (MANE Select); coding-DNA position 679, C replaced by G.
Protein change: p.Pro227Ala; replaces proline 227 with alanine.
Molecular consequence: missense variant.
Genome position (GRCh38, 1-based): chr12:47,995,739, G>C on the plus strand (C>G on the coding strand, the complement: COL2A1 is on the minus strand). VCF-style: chr12-47995739-G-C. GRCh37 (hg19) VCF-style: chr12-48389522-G-C.
Other names: c.472C>G, p.Pro158Ala (NM_033150.3); c.679C>G (NM_001844.4); short protein forms P227A, P158A.
Identifiers: ClinVar variation 2818567 (VCV002818567.6), dbSNP rs2540174561, ClinGen allele CA384523714.

ClinVar aggregate classification (germline): Uncertain significance. Review status: criteria provided, multiple submitters, no conflicts (2 of 4 stars). 4 submissions from 4 submitters: Uncertain significance (4). Last evaluated 2026-09-02.

Conditions:
Inborn genetic diseases. Identifiers: MedGen C0950123, MeSH D030342.

gnomAD v4.1: 1 of 1,614,014 alleles (0.000062%); highest among the groups gnomAD compares: Non-Finnish European, 0.000085%; no homozygotes.

Submissions (4):

Ambry Genetics
Classification: Uncertain significance for Inborn genetic diseases. Last evaluated: 2026-09-02. Review status: criteria provided, single submitter. Criteria: Ambry Variant Classification Scheme 2023. Collection method: clinical testing. Allele origin: germline.

Labcorp Genetics (formerly Invitae), Labcorp
Classification: Uncertain significance. Last evaluated: 2025-03-05. Review status: criteria provided, single submitter. Criteria: Invitae Variant Classification Sherloc (09022015). Collection method: clinical testing. Allele origin: germline.
Comment: This sequence change replaces proline, which is neutral and non-polar, with alanine, which is neutral and non-polar, at codon 227 of the COL2A1 protein (p.Pro227Ala). This variant is not present in population databases (gnomAD no frequency). This variant has not been reported in the literature in individuals affected with COL2A1-related conditions. ClinVar contains an entry for this variant (Variation ID: 2818567). Invitae Evidence Modeling of protein sequence and biophysical properties (such as structural, functional, and spatial information, amino acid conservation, physicochemical variation, residue mobility, and thermodynamic stability) indicates that this missense variant is not expected to disrupt COL2A1 protein function with a negative predictive value of 95%. In summary, the available evidence is currently insufficient to determine the role of this variant in disease. Therefore, it has been classified as a Variant of Uncertain Significance.

GeneDx
Classification: Uncertain significance. Last evaluated: 2024-09-04. Review status: criteria provided, single submitter. Criteria: GeneDx Variant Classification Process June 2021. Collection method: clinical testing. Allele origin: germline. Affected: yes.
Comment: Not observed at significant frequency in large population cohorts (gnomAD); In silico analysis supports that this missense variant has a deleterious effect on protein structure/function; Has not been previously published as pathogenic or benign to our knowledge; Occurs in the triple helical domain at the Y position in the canonical Gly-X-Y repeat; although this variant may have an effect on normal protein folding and function, missense substitution at the Y position is not a common mechanism of disease (HGMD)

Blueprint Genetics
Classification: Uncertain significance. Last evaluated: 2020-01-10. Review status: criteria provided, single submitter. Criteria: ACMG Guidelines, 2015. Collection method: clinical testing. Allele origin: germline.